The following is an entry in ClinVar:

ClinVar aggregate classification (germline): Uncertain significance (1 of 4 stars; one submission).

Submission:

GeneDx
Classification: Uncertain significance. Last evaluated: 2025-05-01. Review status: criteria provided, single submitter. Criteria: GeneDx Variant Classification Process June 2021. Collection method: clinical testing. Allele origin: germline. Affected: yes.
Comment: Not observed at significant frequency in large population cohorts (gnomAD); Has not been previously published as pathogenic or benign to our knowledge; In silico analysis is inconclusive as to whether the variant alters gene splicing. In the absence of RNA/functional studies, the actual effect of this sequence change is unknown.

NM_001349338.3(FOXP1):c.1722+5_1722+7del

Gene: FOXP1 (forkhead box P1; minus strand). Cytogenetic location: 3p13.
Variant type: Deletion.
Coding change: c.1722+5_1722+7del on transcript NM_001349338.3 (MANE Select); bases 5 to 7 of the intron after coding-DNA position 1722, 3 bases deleted (GAT; older notation c.1722+5_1722+7delGAT).
Molecular consequence: intron variant.
Genome position (GRCh38, 1-based): chr3:70,970,729-70,970,731, ATC deleted on the plus strand (GAT on the coding strand, the reverse complement: FOXP1 is on the minus strand). VCF-style (leftmost placement, unchanged base first): chr3-70970728-AATC-A. GRCh37 (hg19) VCF-style: chr3-71019879-AATC-A.
Other names: c.1770+5_1770+7del (NM_001244810.2); c.1722+5_1722+7del (NM_032682.6, NM_001349340.3, NM_001244816.2 and 1 more transcripts); c.1719+5_1719+7del (NM_001349341.3, NM_001244808.3); c.1494+5_1494+7del (NM_001244812.3); c.1419+5_1419+7del (NM_001349343.3, NM_001349337.2, NM_001370548.1 and 1 more transcripts); c.1422+5_1422+7del (NM_001349342.3, NM_001244815.2, NM_001244813.3).
Identifiers: ClinVar variation 4527721 (VCV004527721.1).